The following is an entry in ClinVar:

ClinVar aggregate classification (germline): Uncertain significance (1 of 4 stars; one submission).

Allele frequency attached by ClinVar (database versions not stated): gnomAD exomes below 0.00001.
gnomAD v4.1: 1 of 1,614,176 alleles (0.000062%); highest among the groups gnomAD compares: Non-Finnish European, 0.000085%; no homozygotes.

Submission:

GeneDx
Classification: Uncertain significance. Last evaluated: 2022-12-13. Review status: criteria provided, single submitter. Criteria: GeneDx Variant Classification Process June 2021. Collection method: clinical testing. Allele origin: germline. Affected: yes.
Comment: Not observed at significant frequency in large population cohorts (gnomAD); In silico analysis supports that this missense variant has a deleterious effect on protein structure/function; Has not been previously published as pathogenic or benign to our knowledge

NM_198880.3(QRICH1):c.955C>T (p.Arg319Trp)

Gene: QRICH1 (glutamine rich 1; minus strand). Cytogenetic location: 3p21.31.
Variant type: single nucleotide variant.
Coding change: c.955C>T on transcript NM_198880.3 (MANE Select); coding-DNA position 955, C replaced by T.
Protein change: p.Arg319Trp; replaces arginine 319 with tryptophan.
Molecular consequence: missense variant.
Genome position (GRCh38, 1-based): chr3:49,057,245, G>A on the plus strand (C>T on the coding strand, the complement: QRICH1 is on the minus strand). VCF-style: chr3-49057245-G-A. GRCh37 (hg19) VCF-style: chr3-49094678-G-A.
Other names: c.955C>T, p.Arg319Trp (NM_001320580.2, NM_001320581.2, NM_001320582.2 and 4 more transcripts); short protein forms R319W.
Identifiers: ClinVar variation 1308422 (VCV001308422.2), dbSNP rs2106904913, ClinGen allele CA352669978.